The following is an entry in ClinVar:

ClinVar aggregate classification (germline): Pathogenic (1 of 4 stars; one submission).

Submission:

Labcorp Genetics (formerly Invitae), Labcorp
Classification: Pathogenic. Last evaluated: 2021-08-29. Review status: criteria provided, single submitter. Criteria: Invitae Variant Classification Sherloc (09022015). Collection method: clinical testing. Allele origin: germline.
Comment: For these reasons, this variant has been classified as Pathogenic. This variant has not been reported in the literature in individuals affected with LAMC2-related conditions. This variant is not present in population databases (ExAC no frequency). This sequence change creates a premature translational stop signal (p.Ser242*) in the LAMC2 gene. It is expected to result in an absent or disrupted protein product. Loss-of-function variants in LAMC2 are known to be pathogenic (PMID: 11907499, 16473856).

Literature cited by the submitters: PubMed 11907499; PubMed 16473856.

NM_005562.3(LAMC2):c.725C>G (p.Ser242Ter)

Gene: LAMC2 (laminin subunit gamma 2; plus strand). Cytogenetic location: 1q25.3.
Variant type: single nucleotide variant.
Coding change: c.725C>G on transcript NM_005562.3 (MANE Select); coding-DNA position 725, C replaced by G.
Protein change: p.Ser242Ter; replaces serine 242 with a stop codon.
Molecular consequence: nonsense.
Genome position (GRCh38, 1-based): chr1:183,222,173, C>G. VCF-style: chr1-183222173-C-G. GRCh37 (hg19) VCF-style: chr1-183191308-C-G.
Other names: c.725C>G, p.Ser242Ter (NM_018891.3); short protein forms S242*.
Identifiers: ClinVar variation 1374561 (VCV001374561.6), dbSNP rs2102222351, ClinGen allele CA343679151.